The following is an entry in ClinVar:

NM_001367549.1(ATP13A3):c.1999+6G>A

Gene: ATP13A3 (ATPase 13A3; minus strand). Cytogenetic location: 3q29.
Variant type: single nucleotide variant.
Coding change: c.1999+6G>A on transcript NM_001367549.1 (MANE Select); 6 bases into the intron after coding-DNA position 1999, G replaced by A.
Molecular consequence: intron variant.
Genome position (GRCh38, 1-based): chr3:194,437,305, C>T on the plus strand (G>A on the coding strand, the complement: ATP13A3 is on the minus strand). VCF-style: chr3-194437305-C-T. GRCh37 (hg19) VCF-style: chr3-194158034-C-T.
Other names: c.1918+6G>A (NM_001374836.1); c.1999+6G>A (NM_024524.4, NM_024524.3).
Identifiers: ClinVar variation 1600707 (VCV001600707.11), dbSNP rs199898845, ClinGen allele CA2761809.

ClinVar aggregate classification (germline): Benign/Likely benign. Review status: criteria provided, multiple submitters, no conflicts (2 of 4 stars). 3 submissions from 3 submitters: Benign (1); Likely benign (1). 1 of the submissions does not count toward it. Last evaluated 2025-12-25.

Conditions:
ATP13A3-related disorder. Also called: ATP13A3-related condition.

Allele frequency attached by ClinVar (database versions not stated): 1000 Genomes Project 0.00060; 1000 Genomes Project 30x 0.00062; TOPMed 0.00114; ESP Exome Variant Server 0.00118; gnomAD 0.00161 and 0.00168; gnomAD exomes 0.00176 and 0.00195; ExAC 0.00204.
gnomAD v4.1: 2,809 of 1,614,178 alleles (0.17%); highest among the groups gnomAD compares: Middle Eastern, 0.58%; 4 homozygotes.

Submissions (3):

Labcorp Genetics (formerly Invitae), Labcorp
Classification: Benign. Last evaluated: 2025-12-25. Review status: criteria provided, single submitter. Criteria: Invitae Variant Classification Sherloc (09022015). Collection method: clinical testing. Allele origin: germline.

Blueprint Genetics
Classification: Likely benign. Last evaluated: 2024-11-26. Review status: criteria provided, single submitter. Criteria: ACMG Guidelines, 2015. Collection method: clinical testing. Allele origin: germline.

PreventionGenetics, part of Exact Sciences
Classification: Benign for ATP13A3-related condition. Last evaluated: 2019-05-08. Review status: no assertion criteria provided. Collection method: clinical testing. Allele origin: germline. Not counted in ClinVar's aggregate classification.
Comment: This variant is classified as benign based on ACMG/AMP sequence variant interpretation guidelines (Richards et al. 2015 PMID: 25741868, with internal and published modifications).